The following is an entry in ClinVar:

ClinVar aggregate classification (germline): Uncertain significance. Review status: criteria provided, multiple submitters, no conflicts (2 of 4 stars). 2 submissions from 2 submitters: Uncertain significance (2). Last evaluated 2023-06-19.

Allele frequency attached by ClinVar (database versions not stated): gnomAD exomes below 0.00001; gnomAD 0.00001; TOPMed 0.00001; ExAC 0.00002.
gnomAD v4.1: 8 of 1,600,420 alleles (0.0005%); highest among the groups gnomAD compares: East Asian, 0.0068%; no homozygotes.

Submissions (2):

Revvity Omics, Revvity
Classification: Uncertain significance. Last evaluated: 2023-06-19. Review status: criteria provided, single submitter. Criteria: ACMG Guidelines, 2015. Collection method: clinical testing. Allele origin: germline.

Athena Diagnostics
Classification: Uncertain significance. Last evaluated: 2022-11-16. Review status: criteria provided, single submitter. Criteria: Athena Diagnostics Criteria. Collection method: clinical testing. Allele origin: unknown.
Comment: Available data are insufficient to determine the clinical significance of the variant at this time. The frequency of this variant in the general population is uninformative in assessment of its pathogenicity. Computational tools predict that this variant is not damaging.

NM_000435.3(NOTCH3):c.6694A>G (p.Lys2232Glu)

Gene: NOTCH3 (notch receptor 3; minus strand). Cytogenetic location: 19p13.12.
Variant type: single nucleotide variant.
Coding change: c.6694A>G on transcript NM_000435.3 (MANE Select); coding-DNA position 6694, A replaced by G.
Protein change: p.Lys2232Glu; replaces lysine 2232 with glutamic acid.
Molecular consequence: missense variant.
Genome position (GRCh38, 1-based): chr19:15,160,934, T>C on the plus strand (A>G on the coding strand, the complement: NOTCH3 is on the minus strand). VCF-style: chr19-15160934-T-C. GRCh37 (hg19) VCF-style: chr19-15271745-T-C.
Other names: short protein forms K2232E.
Identifiers: ClinVar variation 2434407 (VCV002434407.4), dbSNP rs753983081, ClinGen allele CA9262320.
Genomic context (GRCh38, chr19:15,160,934, plus strand): 5'-GGGATTCGGGGGATGGGGTCAGGTAAGGGTGCTCACTGGGAACCCGCAGGAAGCGGGCCT[T>C]TGGGGGGCTGCTGTGTGCCCCAGCCGCCGGGTACTCCTCGCCATGTCCTGGGACTGCCAG-3'
Protein context (NP_000426.2, residues 2222-2242): PAAGAHSSPP[Lys2232Glu]ARFLRVPSEH